The following is an entry in ClinVar:

NM_000053.4(ATP7B):c.3419T>C (p.Val1140Ala)

Gene: ATP7B (ATPase copper transporting beta; minus strand). Cytogenetic location: 13q14.3.
Variant type: single nucleotide variant.
Coding change: c.3419T>C on transcript NM_000053.4 (MANE Select); coding-DNA position 3419, T replaced by C.
Protein change: p.Val1140Ala; replaces valine 1140 with alanine.
Molecular consequence: missense variant.
Genome position (GRCh38, 1-based): chr13:51,941,218, A>G on the plus strand (T>C on the coding strand, the complement: ATP7B is on the minus strand). VCF-style: chr13-51941218-A-G. GRCh37 (hg19) VCF-style: chr13-52515354-A-G.
Other names: c.2798T>C, p.Val933Ala (NM_001005918.3); c.3086T>C, p.Val1029Ala (NM_001243182.2); c.3185T>C, p.Val1062Ala (NM_001330578.2); c.3167T>C, p.Val1056Ala (NM_001330579.2); short protein forms V1140A, V933A, V1029A, V1062A, V1056A.
Identifiers: ClinVar variation 35720 (VCV000035720.44), dbSNP rs1801249, ClinGen allele CA145685.
Genomic context (GRCh38, chr13:51,941,218, plus strand): 5'-GTTAAACCGTTGCGCCTCAGCCACTCACGGTTTCCAATCAGCACAGAGAAGGTCTGGGGG[A>G]CTGCATCTATTCAAAAGAGGCTGTGGTTATTTCTAAATGGTCCAATTTCACTGTGAACTA-3'
Protein context (NP_000044.2, residues 1130-1150): AGSLPAEKDA[Val1140Ala]PQTFSVLIGN

ClinVar aggregate classification (germline): Benign. Review status: criteria provided, multiple submitters, no conflicts (2 of 4 stars). 22 submissions from 22 submitters: Benign (13). 9 of the submissions do not count toward it. Last evaluated 2026-02-04.

Conditions:
Inborn genetic diseases. Identifiers: MedGen C0950123, MeSH D030342.
Wilson disease (WND). Also called: Wilson's disease. Identifiers: Orphanet 905, MedGen C0019202, MONDO:0010200, OMIM 277900. Disease mechanism: loss of function.

Allele frequency attached by ClinVar (database versions not stated): 1000 Genomes Project 30x 0.55153; 1000 Genomes Project 0.54054; ESP Exome Variant Server 0.57756; gnomAD exomes 0.56934 and 0.57952; TOPMed 0.57262; ExAC 0.56526; gnomAD 0.57256.
gnomAD v4.1: 933,695 of 1,613,484 alleles (58%); highest among the groups gnomAD compares: Middle Eastern, 63%; 271,848 homozygotes.

Submissions (22):

Labcorp Genetics (formerly Invitae), Labcorp
Classification: Benign for Wilson disease. Last evaluated: 2026-02-04. Review status: criteria provided, single submitter. Criteria: Invitae Variant Classification Sherloc (09022015). Collection method: clinical testing. Allele origin: germline.

Blueprint Genetics
Classification: Benign. Last evaluated: 2024-11-27. Review status: criteria provided, single submitter. Criteria: ACMG Guidelines, 2015. Collection method: clinical testing. Allele origin: germline.

All of Us Research Program, National Institutes of Health
Classification: Benign for Wilson disease. Last evaluated: 2024-10-03. Review status: criteria provided, single submitter. Criteria: ACMG Guidelines, 2015. Collection method: clinical testing. Allele origin: germline. Inheritance: Autosomal recessive inheritance. Observed: 117,819 variant alleles, 69,170 heterozygotes, 48,624 homozygotes, 25 hemizygotes.
Comment: This study involves interpretation of variants in research participants for the purpose of population health screening. Participant phenotype was not available at the time of variant classification. Additional details can be found in publication PMID: 35346344, PMCID: PMC8962531

Mayo Clinic Laboratories, Mayo Clinic
Classification: Benign. Last evaluated: 2023-01-06. Review status: criteria provided, single submitter. Criteria: ACMG Guidelines, 2015. Collection method: clinical testing. Allele origin: germline. Observed: 2,206 variant alleles.
Comment: BA1, BP4

ARUP Laboratories, Molecular Genetics and Genomics, ARUP Laboratories
Classification: Benign for Wilson disease. Last evaluated: 2022-03-08. Review status: criteria provided, single submitter. Criteria: ARUP Molecular Germline Variant Investigation Process 2021. Collection method: clinical testing. Allele origin: germline.

Genome-Nilou Lab
Classification: Benign for Wilson disease. Last evaluated: 2021-07-01. Review status: criteria provided, single submitter. Criteria: ACMG Guidelines, 2015. Collection method: clinical testing. Allele origin: germline. Affected: no.

Illumina Laboratory Services, Illumina
Classification: Benign for Wilson disease. Last evaluated: 2018-03-06. Review status: criteria provided, single submitter. Criteria: ICSL Variant Classification Criteria 13 December 2019. Collection method: clinical testing. Allele origin: germline.
Comment: This variant was observed in the ICSL laboratory as part of a predisposition screen in an ostensibly healthy population. It had not been previously curated by ICSL or reported in the Human Gene Mutation Database (HGMD: prior to June 1st, 2018), and was therefore a candidate for classification through an automated scoring system. Utilizing variant allele frequency, disease prevalence and penetrance estimates, and inheritance mode, an automated score was calculated to assess if this variant is too frequent to cause the disease. Based on the score and internal cut-off values, a variant classified as benign is not then subjected to further curation. The score for this variant resulted in a classification of benign for this disease.

Color Diagnostics, LLC DBA Color Health
Classification: Benign for Wilson disease. Last evaluated: 2018-03-05. Review status: criteria provided, single submitter. Criteria: ACMG Guidelines, 2015. Collection method: clinical testing. Allele origin: germline.

Eurofins Ntd Llc (ga)
Classification: Benign. Last evaluated: 2017-10-19. Review status: criteria provided, single submitter. Criteria: EGL Classification Definitions 2015. Collection method: clinical testing. Allele origin: germline. Observed: 55 variant alleles, 33 heterozygotes, 22 homozygotes.

Ambry Genetics
Classification: Benign for Inborn genetic diseases. Last evaluated: 2016-07-01. Review status: criteria provided, single submitter. Criteria: Ambry Variant Classification Scheme 2023. Collection method: clinical testing. Allele origin: germline.

GeneDx
Classification: Benign. Last evaluated: 2016-01-05. Review status: criteria provided, single submitter. Criteria: GeneDx Variant Classification (06012015). Collection method: clinical testing. Allele origin: germline. Affected: yes.
Comment: This variant is considered likely benign or benign based on one or more of the following criteria: it is a conservative change, it occurs at a poorly conserved position in the protein, it is predicted to be benign by multiple in silico algorithms, and/or has population frequency not consistent with disease.

Breakthrough Genomics
Classification: Benign. Review status: criteria provided, single submitter. Criteria: ACMG Guidelines, 2015. Collection method: not provided. Allele origin: germline. Inheritance: Autosomal recessive inheritance. Affected: yes.

PreventionGenetics, part of Exact Sciences
Classification: Benign. Review status: criteria provided, single submitter. Criteria: ACMG Guidelines, 2015. Collection method: clinical testing. Allele origin: germline.

Natera, Inc.
Classification: Benign for Wilson disease. Last evaluated: 2020-09-16. Review status: no assertion criteria provided. Collection method: clinical testing. Allele origin: germline. Not counted in ClinVar's aggregate classification.

Women's Health and Genetics/Laboratory Corporation of America, LabCorp
Classification: Benign for Wilson's disease. Last evaluated: 2011-11-26. Review status: no assertion criteria provided. Collection method: clinical testing. Allele origin: germline. Not counted in ClinVar's aggregate classification.

Clinical Genetics, Academic Medical Center
Classification: Benign. Review status: no assertion criteria provided. Collection method: clinical testing. Allele origin: germline. Affected: yes. Study: VKGL Data-share Consensus. Not counted in ClinVar's aggregate classification.

Department of Pathology and Laboratory Medicine, Sinai Health System
Classification: Uncertain significance. Review status: no assertion criteria provided. Collection method: clinical testing. Allele origin: unknown. Affected: yes. Study: The Canadian Open Genetics Repository (COGR). Not counted in ClinVar's aggregate classification.
Comment: multiple AR variants in same gene - keep for nowAllele frequency is common in at least one population database (frequency: 64.181% in ExAC) based on the frequency threshold of 2.434% for this gene.Variant was observed in a homozygous state in population databases more than expected for disease.

Diagnostic Laboratory, Department of Genetics, University Medical Center Groningen
Classification: Benign for Wilson disease. Review status: no assertion criteria provided. Collection method: clinical testing. Allele origin: germline. Affected: yes. Study: VKGL Data-share Consensus. Not counted in ClinVar's aggregate classification.

Genetic Services Laboratory, University of Chicago
Classification: Likely benign. Review status: no assertion criteria provided. Collection method: clinical testing. Allele origin: germline. Inheritance: Autosomal recessive inheritance. Not counted in ClinVar's aggregate classification.
Comment: Likely benign based on allele frequency in 1000 Genomes Project or ESP global frequency and its presence in a patient with a rare or unrelated disease phenotype. NOT Sanger confirmed

Genome Diagnostics Laboratory, Amsterdam University Medical Center
Classification: Benign. Review status: no assertion criteria provided. Collection method: clinical testing. Allele origin: germline. Affected: yes. Study: VKGL Data-share Consensus. Not counted in ClinVar's aggregate classification.

Genome Diagnostics Laboratory, University Medical Center Utrecht
Classification: Benign. Review status: no assertion criteria provided. Collection method: clinical testing. Allele origin: germline. Affected: yes. Study: VKGL Data-share Consensus. Not counted in ClinVar's aggregate classification.

Joint Genome Diagnostic Labs from Nijmegen and Maastricht, Radboudumc and MUMC+
Classification: Benign. Review status: no assertion criteria provided. Collection method: clinical testing. Allele origin: germline. Affected: yes. Study: VKGL Data-share Consensus. Not counted in ClinVar's aggregate classification.